The following is an entry in ClinVar:

NM_001184.4(ATR):c.2587A>G (p.Asn863Asp)

Gene: ATR (ATR checkpoint kinase; minus strand). Cytogenetic location: 3q23.
Variant type: single nucleotide variant.
Coding change: c.2587A>G on transcript NM_001184.4 (MANE Select); coding-DNA position 2587, A replaced by G.
Protein change: p.Asn863Asp; replaces asparagine 863 with aspartic acid.
Molecular consequence: missense variant.
Genome position (GRCh38, 1-based): chr3:142,553,686, T>C on the plus strand (A>G on the coding strand, the complement: ATR is on the minus strand). VCF-style: chr3-142553686-T-C. GRCh37 (hg19) VCF-style: chr3-142272528-T-C.
Other names: c.2395A>G, p.Asn799Asp (NM_001354579.2); short protein forms N799D, N863D.
Identifiers: ClinVar variation 1793440 (VCV001793440.2), dbSNP rs2034561080, ClinGen allele CA354815534.
Genomic context (GRCh38, chr3:142,553,686, plus strand): 5'-GCTGCCAAGTATACCTTCCAATATCCCCTGTTGTAAGAATCAAGGTATCCTTCAGCTCAT[T>C]ATTTCTTGATATTTGGGCATGTGTATATGCTTCCTTCATTCTTAAGACAAAAAGCTAGAA-3'
Protein context (NP_001175.2, residues 853-873): AYTHAQISRN[Asn863Asp]ELKDTLILTT

ClinVar aggregate classification (germline): Uncertain significance (1 of 4 stars; one submission).

Conditions:
Inborn genetic diseases. Identifiers: MedGen C0950123, MeSH D030342.

Allele frequency attached by ClinVar (database versions not stated): TOPMed below 0.00001.

Submission:

Ambry Genetics
Classification: Uncertain significance for Inborn genetic diseases. Last evaluated: 2021-06-15. Review status: criteria provided, single submitter. Criteria: Ambry Variant Classification Scheme 2023. Collection method: clinical testing. Allele origin: germline.
Comment: The p.N863D variant (also known as c.2587A>G), located in coding exon 12 of the ATR gene, results from an A to G substitution at nucleotide position 2587. The asparagine at codon 863 is replaced by aspartic acid, an amino acid with highly similar properties. This amino acid position is conserved. In addition, this alteration is predicted to be tolerated by in silico analysis. Since supporting evidence is limited at this time, the clinical significance of this alteration remains unclear.